The following is an entry in ClinVar:

NM_182961.4(SYNE1):c.23093A>G (p.Gln7698Arg)

Gene: SYNE1 (spectrin repeat containing nuclear envelope protein 1; minus strand). Cytogenetic location: 6q25.2.
Variant type: single nucleotide variant.
Coding change: c.23093A>G on transcript NM_182961.4 (MANE Select); coding-DNA position 23093, A replaced by G.
Protein change: p.Gln7698Arg; replaces glutamine 7698 with arginine.
Molecular consequence: missense variant.
Genome position (GRCh38, 1-based): chr6:152,201,876, T>C on the plus strand (A>G on the coding strand, the complement: SYNE1 is on the minus strand). VCF-style: chr6-152201876-T-C. GRCh37 (hg19) VCF-style: chr6-152523011-T-C.
Other names: c.22880A>G, p.Gln7627Arg (NM_033071.5); short protein forms Q7627R, Q7698R.
Identifiers: ClinVar variation 1393665 (VCV001393665.8), dbSNP rs1452755990, ClinGen allele CA366092776.

ClinVar aggregate classification (germline): Uncertain significance (1 of 4 stars; one submission).

Conditions:
Emery-Dreifuss muscular dystrophy 4, autosomal dominant (EDMD4). Also called: EMERY-DREIFUSS MUSCULAR DYSTROPHY 4 WITH VARIABLE FEATURES. Identifiers: Orphanet 261, MedGen C2751807, MONDO:0013071, OMIM 612998.
Autosomal recessive ataxia, Beauce type. Also called: SYNE1-Related Autosomal Recessive Cerebellar Ataxia; Spinocerebellar ataxia, autosomal recessive 8; ATAXIA, RECESSIVE, OF BEAUCE; SYNE1 Deficiency. Identifiers: Orphanet 88644, MedGen C1853116, MONDO:0012549, OMIM 610743.

Allele frequency attached by ClinVar (database versions not stated): gnomAD exomes below 0.00001.
gnomAD v4.1: 8 of 1,613,856 alleles (0.0005%); highest among the groups gnomAD compares: Admixed American, 0.0067%; no homozygotes.

Submission:

Labcorp Genetics (formerly Invitae), Labcorp
Classification: Uncertain significance for Emery-Dreifuss muscular dystrophy 4, autosomal dominant; Autosomal recessive ataxia, Beauce type. Last evaluated: 2025-05-05. Review status: criteria provided, single submitter. Criteria: Invitae Variant Classification Sherloc (09022015). Collection method: clinical testing. Allele origin: germline.
Comment: This sequence change replaces glutamine, which is neutral and polar, with arginine, which is basic and polar, at codon 7627 of the SYNE1 protein (p.Gln7627Arg). This variant is not present in population databases (gnomAD no frequency). This variant has not been reported in the literature in individuals affected with SYNE1-related conditions. ClinVar contains an entry for this variant (Variation ID: 1393665). An algorithm developed to predict the effect of missense changes on protein structure and function (PolyPhen-2) suggests that this variant is likely to be tolerated. In summary, the available evidence is currently insufficient to determine the role of this variant in disease. Therefore, it has been classified as a Variant of Uncertain Significance.